The following is an entry in ClinVar:

ClinVar aggregate classification (germline): Uncertain significance (1 of 4 stars; one submission).

Submission:

Labcorp Genetics (formerly Invitae), Labcorp
Classification: Uncertain significance. Last evaluated: 2024-02-23. Review status: criteria provided, single submitter. Criteria: Invitae Variant Classification Sherloc (09022015). Collection method: clinical testing. Allele origin: germline.
Comment: This sequence change replaces aspartic acid, which is acidic and polar, with asparagine, which is neutral and polar, at codon 107 of the ASXL2 protein (p.Asp107Asn). This variant is not present in population databases (gnomAD no frequency). This variant has not been reported in the literature in individuals affected with ASXL2-related conditions. Advanced modeling of protein sequence and biophysical properties (such as structural, functional, and spatial information, amino acid conservation, physicochemical variation, residue mobility, and thermodynamic stability) has been performed at Invitae for this missense variant, however the output from this modeling did not meet the statistical confidence thresholds required to predict the impact of this variant on ASXL2 protein function. In summary, the available evidence is currently insufficient to determine the role of this variant in disease. Therefore, it has been classified as a Variant of Uncertain Significance.

NM_018263.6(ASXL2):c.319G>A (p.Asp107Asn)

Gene: ASXL2 (ASXL transcriptional regulator 2; minus strand). Cytogenetic location: 2p23.3.
Variant type: single nucleotide variant.
Coding change: c.319G>A on transcript NM_018263.6 (MANE Select); coding-DNA position 319, G replaced by A.
Protein change: p.Asp107Asn; replaces aspartic acid 107 with asparagine.
Molecular consequence: missense variant.
Genome position (GRCh38, 1-based): chr2:25,799,469, C>T on the plus strand (G>A on the coding strand, the complement: ASXL2 is on the minus strand). VCF-style: chr2-25799469-C-T. GRCh37 (hg19) VCF-style: chr2-26022338-C-T.
Other names: c.145G>A, p.Asp49Asn (NM_001369346.1); short protein forms D107N, D49N.
Identifiers: ClinVar variation 3638716 (VCV003638716.2).
Genomic context (GRCh38, chr2:25,799,469, plus strand): 5'-TTCCCTCCTTGTTGCTGCCACCATCACTGCTGCTGCTGCTGTTCTCAGAACTCTGGGAAT[C>T]TGACTGACCATCACTGCTTTCTTCTGAACCTTCTGACAGCTCTTTCACCCCATCCGGCAC-3'
Protein context (NP_060733.4, residues 97-117): GSEESSDGQS[Asp107Asn]SQSSENSSSS